The following is an entry in ClinVar:

ClinVar aggregate classification (germline): Uncertain significance. Review status: criteria provided, multiple submitters, no conflicts (2 of 4 stars). 3 submissions from 3 submitters: Uncertain significance (3). Last evaluated 2025-10-29.

Conditions:
Microcephaly, normal intelligence and immunodeficiency (NBS). Also called: Immunodeficiency, microcephaly with normal intelligence; SEEMANOVA SYNDROME II; Nijmegen breakage syndrome; Microcephaly with normal intelligence immunodeficiency and lymphoreticular malignancies; Nonsyndromal microcephaly autosomal recessive with normal intelligence; Seemanova syndrome 2. Identifiers: Orphanet 647, MedGen C0398791, MONDO:0009623, OMIM 251260.
Hereditary cancer-predisposing syndrome. Also called: Hereditary Cancer Syndrome; Neoplastic Syndromes, Hereditary; Tumor predisposition; Hereditary neoplastic syndrome. Identifiers: Orphanet 140162, MedGen C0027672, MeSH D009386, MONDO:0015356.

Allele frequency attached by ClinVar (database versions not stated): gnomAD exomes below 0.00001; gnomAD 0.00001; 1000 Genomes Project 30x 0.00016; 1000 Genomes Project 0.00020.
gnomAD v4.1: 1 of 1,613,672 alleles (0.000062%); highest among the groups gnomAD compares: Non-Finnish European, 0.000085%; no homozygotes.

Submissions (3):

Ambry Genetics
Classification: Uncertain significance for Hereditary cancer-predisposing syndrome. Last evaluated: 2025-10-29. Review status: criteria provided, single submitter. Criteria: Ambry Variant Classification Scheme 2023. Collection method: clinical testing. Allele origin: germline.
Comment: The p.Q391R variant (also known as c.1172A>G), located in coding exon 10 of the NBN gene, results from an A to G substitution at nucleotide position 1172. The glutamine at codon 391 is replaced by arginine, an amino acid with highly similar properties. This amino acid position is well conserved in available vertebrate species. In addition, this alteration is predicted to be tolerated by in silico analysis. Since supporting evidence is limited at this time, the clinical significance of this alteration remains unclear.

Genome-Nilou Lab
Classification: Uncertain significance for Microcephaly, normal intelligence and immunodeficiency. Last evaluated: 2021-11-07. Review status: criteria provided, single submitter. Criteria: ACMG Guidelines, 2015. Collection method: clinical testing. Allele origin: germline. Affected: no.

Labcorp Genetics (formerly Invitae), Labcorp
Classification: Uncertain significance for Microcephaly, normal intelligence and immunodeficiency. Last evaluated: 2018-08-25. Review status: criteria provided, single submitter. Criteria: Invitae Variant Classification Sherloc (09022015). Collection method: clinical testing. Allele origin: germline.
Comment: This sequence change replaces glutamine with arginine at codon 391 of the NBN protein (p.Gln391Arg). The glutamine residue is moderately conserved and there is a small physicochemical difference between glutamine and arginine. This variant is not present in population databases (ExAC no frequency). This variant has not been reported in the literature in individuals with NBN-related disease. Algorithms developed to predict the effect of missense changes on protein structure and function (SIFT, PolyPhen-2, Align-GVGD) all suggest that this variant is likely to be tolerated, but these predictions have not been confirmed by published functional studies and their clinical significance is uncertain. In summary, the available evidence is currently insufficient to determine the role of this variant in disease. Therefore, it has been classified as a Variant of Uncertain Significance.

NM_002485.5(NBN):c.1172A>G (p.Gln391Arg)

Gene: NBN (nibrin; minus strand). Cytogenetic location: 8q21.3.
Variant type: single nucleotide variant.
Coding change: c.1172A>G on transcript NM_002485.5 (MANE Select); coding-DNA position 1172, A replaced by G.
Protein change: p.Gln391Arg; replaces glutamine 391 with arginine.
Molecular consequence: missense variant.
Genome position (GRCh38, 1-based): chr8:89,955,508, T>C on the plus strand (A>G on the coding strand, the complement: NBN is on the minus strand). VCF-style: chr8-89955508-T-C. GRCh37 (hg19) VCF-style: chr8-90967736-T-C.
Other names: c.926A>G, p.Gln309Arg (NM_001024688.3); short protein forms Q391R, Q309R.
Identifiers: ClinVar variation 630219 (VCV000630219.18), dbSNP rs201958895, ClinGen allele CA181260751.